The following is an entry in ClinVar:

ClinVar aggregate classification (germline): Uncertain significance (1 of 4 stars; one submission).

Conditions:
Left ventricular noncompaction 1 (LVNC1). Also called: LEFT VENTRICULAR NONCOMPACTION 1 WITH OR WITHOUT CONGENITAL HEART DEFECTS. Identifiers: Orphanet 54260, MedGen C1858725, MONDO:0011403, OMIM 604169.

Submission:

Labcorp Genetics (formerly Invitae), Labcorp
Classification: Uncertain significance for Left ventricular noncompaction 1. Last evaluated: 2021-04-28. Review status: criteria provided, single submitter. Criteria: Invitae Variant Classification Sherloc (09022015). Collection method: clinical testing. Allele origin: germline.
Comment: Algorithms developed to predict the effect of missense changes on protein structure and function are either unavailable or do not agree on the potential impact of this missense change (SIFT: "Deleterious"; PolyPhen-2: "Possibly Damaging"; Align-GVGD: "Class C0"). In summary, the available evidence is currently insufficient to determine the role of this variant in disease. Therefore, it has been classified as a Variant of Uncertain Significance. This variant has not been reported in the literature in individuals with DTNA-related conditions. This variant is not present in population databases (ExAC no frequency). This sequence change replaces glycine with arginine at codon 598 of the DTNA protein (p.Gly598Arg). The glycine residue is moderately conserved and there is a moderate physicochemical difference between glycine and arginine.

NM_001386795.1(DTNA):c.1873G>A (p.Gly625Arg)

Gene: DTNA (dystrobrevin alpha; plus strand). Cytogenetic location: 18q12.1.
Variant type: single nucleotide variant.
Coding change: c.1873G>A on transcript NM_001386795.1 (MANE Select); coding-DNA position 1873, G replaced by A.
Protein change: p.Gly625Arg; replaces glycine 625 with arginine.
Molecular consequence: missense variant.
Genome position (GRCh38, 1-based): chr18:34,875,368, G>A. VCF-style: chr18-34875368-G-A. GRCh37 (hg19) VCF-style: chr18-32455332-G-A.
Other names: c.1612G>A, p.Gly538Arg (NM_001198938.2, NM_001198940.2, NM_001386753.1 and 5 more transcripts); c.1633G>A, p.Gly545Arg (NM_001198939.2); c.919G>A, p.Gly307Arg (NM_001198942.1); c.862G>A, p.Gly288Arg (NM_001198943.1); c.748G>A, p.Gly250Arg (NM_001198944.1); c.1702G>A, p.Gly568Arg (NM_001386754.1, NM_001386755.1, NM_001386756.1 and 3 more transcripts); c.1699G>A, p.Gly567Arg (NM_001386760.1); c.1621G>A, p.Gly541Arg (NM_001386761.1, NM_032975.4); and 5 more; short protein forms G246R, G307R, G540R, G567R, G538R, G568R, G598R, G625R.
Identifiers: ClinVar variation 1446463 (VCV001446463.8), dbSNP rs2150324967, ClinGen allele CA402178116.